The following is an entry in ClinVar:

NM_032043.3(BRIP1):c.1432C>T (p.His478Tyr)

Gene: BRIP1 (BRCA1 interacting DNA helicase 1; minus strand). Cytogenetic location: 17q23.2.
Variant type: single nucleotide variant.
Coding change: c.1432C>T on transcript NM_032043.3 (MANE Select); coding-DNA position 1432, C replaced by T.
Protein change: p.His478Tyr; replaces histidine 478 with tyrosine.
Molecular consequence: missense variant.
Genome position (GRCh38, 1-based): chr17:61,793,638, G>A on the plus strand (C>T on the coding strand, the complement: BRIP1 is on the minus strand). VCF-style: chr17-61793638-G-A. GRCh37 (hg19) VCF-style: chr17-59870999-G-A.
Other names: short protein forms H478Y.
Identifiers: ClinVar variation 419651 (VCV000419651.61), dbSNP rs761452695, ClinGen allele CA8690743.
Genomic context (GRCh38, chr17:61,793,638, plus strand): 5'-GGTAGAAAAAATATCTTACCTGCAAAATGGGAAAAGTAGCAGTGGTGATACCCATTTTGT[G>A]TAAAGTTAAGAGCATTTCATTTCCACTCCATATTTTACAAGCTGATTCATAATCTCTTTC-3'
Protein context (NP_114432.2, residues 468-488): WSGNEMLLTL[His478Tyr]KMGITTATFP

ClinVar aggregate classification (germline): Conflicting classifications of pathogenicity. Review status: criteria provided, conflicting classifications (1 of 4 stars). 7 submissions from 7 submitters: Uncertain significance (6); Likely benign (1). Last evaluated 2025-08-17.

Conditions:
Familial ovarian cancer. Identifiers: MedGen C5679802, MONDO:0016248.
Hereditary cancer-predisposing syndrome. Also called: Tumor predisposition; Hereditary neoplastic syndrome; Hereditary Cancer Syndrome; Neoplastic Syndromes, Hereditary. Identifiers: Orphanet 140162, MedGen C0027672, MeSH D009386, MONDO:0015356.
Fanconi anemia complementation group J. Also called: BRIP1-Related Fanconi Anemia. Identifiers: Orphanet 84, MedGen C1836860, MONDO:0012187, OMIM 609054.
Familial cancer of breast. Also called: hereditary breast carcinoma; BREAST CANCER, FAMILIAL; Hereditary breast cancer. Identifiers: Orphanet 227535, MedGen C0346153, MONDO:0016419, OMIM 114480. Disease mechanism: loss of function.

Allele frequency attached by ClinVar (database versions not stated): gnomAD below 0.00001 and 0.00001; gnomAD exomes 0.00001; ExAC 0.00003.
gnomAD v4.1: 18 of 1,608,384 alleles (0.0011%); highest among the groups gnomAD compares: South Asian, 0.015%; no homozygotes.

Submissions (7):

Labcorp Genetics (formerly Invitae), Labcorp
Classification: Uncertain significance for Familial cancer of breast; Fanconi anemia complementation group J. Last evaluated: 2025-08-17. Review status: criteria provided, single submitter. Criteria: Invitae Variant Classification Sherloc (09022015). Collection method: clinical testing. Allele origin: germline.
Comment: This sequence change replaces histidine, which is basic and polar, with tyrosine, which is neutral and polar, at codon 478 of the BRIP1 protein (p.His478Tyr). This variant is present in population databases (rs761452695, gnomAD 0.01%). This variant has not been reported in the literature in individuals affected with BRIP1-related conditions. ClinVar contains an entry for this variant (Variation ID: 419651). Invitae Evidence Modeling of protein sequence and biophysical properties (such as structural, functional, and spatial information, amino acid conservation, physicochemical variation, residue mobility, and thermodynamic stability) indicates that this missense variant is not expected to disrupt BRIP1 protein function with a negative predictive value of 95%. In summary, the available evidence is currently insufficient to determine the role of this variant in disease. Therefore, it has been classified as a Variant of Uncertain Significance.

GeneDx
Classification: Uncertain significance. Last evaluated: 2025-06-11. Review status: criteria provided, single submitter. Criteria: GeneDx Variant Classification Process June 2021. Collection method: clinical testing. Allele origin: germline. Affected: yes.
Comment: Not observed at significant frequency in large population cohorts (gnomAD); In silico analysis suggests that this missense variant does not alter protein structure/function; This variant is associated with the following publications: (PMID: 37306523, 33471991)

Molecular Pathology, Peter Maccallum Cancer Centre
Classification: Uncertain significance for Familial ovarian cancer. Last evaluated: 2024-07-24. Review status: criteria provided, single submitter. Criteria: ACMG Guidelines, 2015. Collection method: clinical testing. Allele origin: germline. Inheritance: Autosomal dominant inheritance.

Color Diagnostics, LLC DBA Color Health
Classification: Uncertain significance for Hereditary cancer-predisposing syndrome. Last evaluated: 2022-11-22. Review status: criteria provided, single submitter. Criteria: ACMG Guidelines, 2015. Collection method: clinical testing. Allele origin: germline.
Comment: This missense variant replaces histidine with tyrosine at codon 478 of the BRIP1 protein. Computational prediction suggests that this variant may not impact protein structure and function (internally defined REVEL score threshold <= 0.5, PMID: 27666373). To our knowledge, functional studies have not been reported for this variant. This variant has not been reported in individuals affected with hereditary cancer in the literature. This variant has been identified in 3/243874 chromosomes in the general population by the Genome Aggregation Database (gnomAD). The available evidence is insufficient to determine the role of this variant in disease conclusively. Therefore, this variant is classified as a Variant of Uncertain Significance.

Quest Diagnostics Nichols Institute San Juan Capistrano
Classification: Uncertain significance. Last evaluated: 2022-09-14. Review status: criteria provided, single submitter. Criteria: Quest Diagnostics criteria. Collection method: clinical testing. Allele origin: unknown.
Comment: The frequency of this variant in the general population, 0.0001 (3/29738 chromosomes), is uninformative in assessment of its pathogenicity. In the published literature, the variant has been reported in one individual with breast cancer and none of the unaffected controls (PMID: 33471991 (2021), see also LOVD).Analysis of this variant using bioinformatics tools for the prediction of the effect of amino acid changes on protein structure and function yielded predictions that this variant is benign. Based on the available information, we are unable to determine the clinical significance of this variant.

CeGaT Center for Human Genetics Tuebingen
Classification: Uncertain significance. Last evaluated: 2019-08-01. Review status: criteria provided, single submitter. Criteria: CeGaT Center For Human Genetics Tuebingen Variant Classification Criteria Version 2. Collection method: clinical testing. Allele origin: germline. Affected: yes. Observed: 1 variant allele.

Ambry Genetics
Classification: Likely benign for Hereditary cancer-predisposing syndrome. Last evaluated: 2016-06-14. Review status: criteria provided, single submitter. Criteria: Ambry Variant Classification Scheme 2023. Collection method: clinical testing. Allele origin: germline.

Literature cited by the submitters: PubMed 33471991 (cited by Quest Diagnostics Nichols Institute San Juan Capistrano).